The following is an entry in ClinVar:

ClinVar aggregate classification (germline): Pathogenic (1 of 4 stars; one submission).

Submission:

Labcorp Genetics (formerly Invitae), Labcorp
Classification: Pathogenic. Last evaluated: 2023-05-22. Review status: criteria provided, single submitter. Criteria: Invitae Variant Classification Sherloc (09022015). Collection method: clinical testing. Allele origin: germline.
Comment: For these reasons, this variant has been classified as Pathogenic. This variant has not been reported in the literature in individuals affected with DUOX2-related conditions. This variant is not present in population databases (gnomAD no frequency). This sequence change creates a premature translational stop signal (p.Ser337Leufs*10) in the DUOX2 gene. It is expected to result in an absent or disrupted protein product. Loss-of-function variants in DUOX2 are known to be pathogenic (PMID: 12110737, 18765513, 21565790, 24423310, 24735383).

Literature cited by the submitters: PubMed 12110737; PubMed 18765513; PubMed 21565790; PubMed 24423310; PubMed 24735383.

NM_001363711.2(DUOX2):c.1008del (p.Ser337fs)

Gene: DUOX2 (dual oxidase 2; minus strand). Cytogenetic location: 15q21.1.
Variant type: Deletion.
Coding change: c.1008del on transcript NM_001363711.2 (MANE Select); coding-DNA position 1008, one base deleted (C; older notation c.1008delC).
Protein change: p.Ser337fs; shifts the reading frame from serine 337.
Molecular consequence: frameshift variant.
Genome position (GRCh38, 1-based): chr15:45,110,460, G deleted on the plus strand (C on the coding strand, the reverse complement: DUOX2 is on the minus strand). VCF-style (leftmost placement, unchanged base first): chr15-45110459-AG-A. GRCh37 (hg19) VCF-style: chr15-45402657-AG-A.
Other names: c.1008del, p.Ser337fs (NM_014080.5); short protein forms S337fs.
Identifiers: ClinVar variation 2866843 (VCV002866843.3), dbSNP rs2504780325, ClinGen allele CA2739269382.